The following is an entry in ClinVar:

NM_001099857.5(IKBKG):c.1238A>G (p.His413Arg)

Gene: IKBKG (inhibitor of nuclear factor kappa B kinase regulatory subunit gamma; plus strand). Cytogenetic location: Xq28.
Variant type: single nucleotide variant.
Coding change: c.1238A>G on transcript NM_001099857.5 (MANE Select); coding-DNA position 1238, A replaced by G.
Protein change: p.His413Arg; replaces histidine 413 with arginine.
Molecular consequence: missense variant. On other transcripts: non-coding transcript variant (1).
Genome position (GRCh38, 1-based): chrX:154,564,439, A>G. VCF-style: chrX-154564439-A-G. GRCh37 (hg19) VCF-style: chrX-153792654-A-G.
Other names: c.1442A>G, p.His481Arg (NM_001099856.6); c.941A>G, p.His314Arg (NM_001145255.4); c.1238A>G, p.His413Arg (NM_001321396.3, NM_001377312.1, NM_003639.4); c.1235A>G, p.His412Arg (NM_001321397.3, NM_001377313.1); c.1082A>G, p.His361Arg (NM_001377314.1); c.869A>G, p.His290Arg (NM_001377315.1); short protein forms H290R, H314R, H361R, H412R, H413R, H481R.
Identifiers: ClinVar variation 3340317 (VCV003340317.1).

ClinVar aggregate classification (germline): Uncertain significance (1 of 4 stars; one submission).

Submission:

GeneDx
Classification: Uncertain significance. Last evaluated: 2024-02-06. Review status: criteria provided, single submitter. Criteria: GeneDx Variant Classification Process June 2021. Collection method: clinical testing. Allele origin: germline. Affected: yes.
Comment: In silico analysis supports that this missense variant has a deleterious effect on protein structure/function; This variant is associated with the following publications: (PMID: 27838798)